The following is an entry in ClinVar:

NM_013386.5(SLC25A24):c.758G>C (p.Gly253Ala)

Gene: SLC25A24 (solute carrier family 25 member 24; minus strand). Cytogenetic location: 1p13.3.
Variant type: single nucleotide variant.
Coding change: c.758G>C on transcript NM_013386.5 (MANE Select); coding-DNA position 758, G replaced by C.
Protein change: p.Gly253Ala; replaces glycine 253 with alanine.
Molecular consequence: missense variant.
Genome position (GRCh38, 1-based): chr1:108,155,047, C>G on the plus strand (G>C on the coding strand, the complement: SLC25A24 is on the minus strand). VCF-style: chr1-108155047-C-G. GRCh37 (hg19) VCF-style: chr1-108697669-C-G.
Other names: c.701G>C, p.Gly234Ala (NM_213651.3); short protein forms G234A, G253A.
Identifiers: ClinVar variation 692155 (VCV000692155.3), dbSNP rs1571285932, ClinGen allele CA341194113.
Genomic context (GRCh38, chr1:108,155,047, plus strand): 5'-TCATATGCCCAGAATTTAACAGCTGTCTCAGGAGCAATTTTGATGACGTTTGTACCATTT[C>G]CCCTCCAAAGCGAGCGGATACCTCCTTCTTTTACCATCTGTCGAAAGCCACCAAATATGT-3'
Protein context (NP_037518.3, residues 243-263): KEGGIRSLWR[Gly253Ala]NGTNVIKIAP

ClinVar aggregate classification (germline): Likely pathogenic (1 of 4 stars; one submission).

Conditions:
Dementia. Identifiers: MedGen C0497327, MONDO:0001627, HP:0000726.
Bilateral tonic-clonic seizure. Also called: Generalized tonic-clonic seizures. Identifiers: MedGen C0494475, HP:0002069.

Submission:

Research Unit for Rare Diseases, 1st Faculty of Medicine, Charles University in Prague
Classification: Likely pathogenic for Dementia; Bilateral tonic-clonic seizure. Last evaluated: 2019-09-06. Review status: criteria provided, single submitter. Criteria: ACMG Guidelines, 2015. Collection method: research. Allele origin: maternal. Inheritance: Autosomal dominant inheritance. Affected: yes.
Comment: The Gly253Ala variant in SLC25A24 has been reported in 1 large Belgian family with autosomal dominant inheritance of dementia, segregated with the disease exclusively in combination with another SLC25A24 variant Leu425Met in cis configuration and a C9ORF72 hexanucelotide repeat expansion. And, it was absent from large population studies. Additionally, in vitro functional studies indicated, that the Gly253Ala variant reduced transport activity of the SLC25A24 protein.